The following is an entry in ClinVar:

NM_006186.4(NR4A2):c.5_6delinsTG (p.Pro2Leu)

Gene: NR4A2 (nuclear receptor subfamily 4 group A member 2; minus strand). Cytogenetic location: 2q24.1.
Variant type: Indel.
Coding change: c.5_6delinsTG on transcript NM_006186.4 (MANE Select); coding-DNA positions 5 to 6, CT replaced by TG.
Protein change: p.Pro2Leu; replaces proline 2 with leucine.
Molecular consequence: missense variant. On other transcripts: intron variant (1).
Genome position (GRCh38, 1-based): chr2:156,330,181-156,330,182, AG replaced by CA on the plus strand (CT replaced by TG on the coding strand, the reverse complement: NR4A2 is on the minus strand). VCF-style: chr2-156330181-AG-CA. GRCh37 (hg19) VCF-style: chr2-157186693-AG-CA.
Other names: HZF-3; NOT; NURR1; RNR1; TINUR; c.-13-172_-13-171delinsTG (NM_173173.3); short protein forms P2L.
Identifiers: ClinVar variation 3338026 (VCV003338026.2).
Genomic context (GRCh38, chr2:156,330,181, plus strand): 5'-GTAGCTCTGAGAAGCGGGGCTGGCTCCTTGAGGCGAGGACCCATACTGCGCCTGAACACA[AG>CA]GCATGGCTGGAAATGAAACAGGGTGATAACACACTCAGCCTGGTCAACTGAACACTTTCT-3'
Protein context (NP_006177.1, residues 1-12): M[Pro2Leu]CVQAQYGSSP

ClinVar aggregate classification (germline): Uncertain significance (1 of 4 stars; one submission).

Conditions:
Intellectual developmental disorder with language impairment and early-onset DOPA-responsive dystonia-parkinsonism (IDLDP). Identifiers: Orphanet 660017, MedGen C5677001, MONDO:0859257, OMIM 619911.

Submission:

Center Lab, King Abdulaziz University
Classification: Uncertain significance for Intellectual developmental disorder with language impairment and early-onset DOPA-responsive dystonia-parkinsonism. Last evaluated: 2024-08-06. Review status: criteria provided, single submitter. Criteria: ACMG Guidelines, 2015. Collection method: clinical testing. Allele origin: de novo. Inheritance: Autosomal dominant inheritance. Affected: yes. Observed: 1 heterozygote.
Comment: The NM_006186.4(NR4A2):c.5_6delinsTG(p.Pro2Leu) variant causes a missense change involving the alteration of a conserved nucleotide. The variant was absent in control chromosomes in GnomAD project and ClinVar database. The variant got 3 ACMG points: 3P and 0B. Criteria applied: PM6, PM2 (moderate), PP3 (Supporting); however, it is located in an NR4A2 region enriched with pathogenic variants (13 out of 16 (81.2%) non-VUS missense variants in gene NR4A2 are pathogenic). This SNV also had high predictive scores for a deleterious effect according to SIFT (0 (deleterious )), and PolyPhen scoring systems (0.929 (probably damaging)).

Literature cited by the submitters: PubMed 38440907.